The following is an entry in ClinVar:

ClinVar aggregate classification (germline): Uncertain significance. Review status: criteria provided, multiple submitters, no conflicts (2 of 4 stars). 4 submissions from 4 submitters: Uncertain significance (4). Last evaluated 2026-09-10.

Conditions:
Cardiomyopathy (CMYO). Also called: Cardiomyopathies. Identifiers: Orphanet 167848, MedGen C0878544, MONDO:0004994, HP:0001638. Inheritance: Various modes of inheritance.
Cardiovascular phenotype. Identifiers: MedGen CN230736.
Hypertrophic cardiomyopathy. Also called: HYPERTROPHIC MYOCARDIOPATHY. Identifiers: Orphanet 217569, MedGen C0007194, MeSH D002312, MONDO:0005045, HP:0001639.

Allele frequency attached by ClinVar (database versions not stated): TOPMed below 0.00001.

Submissions (4):

Ambry Genetics
Classification: Uncertain significance for Cardiovascular phenotype. Last evaluated: 2026-09-10. Review status: criteria provided, single submitter. Criteria: Ambry Variant Classification Scheme 2023. Collection method: clinical testing. Allele origin: germline.
Comment: The p.E1162K variant (also known as c.3484G>A), located in coding exon 25 of the MYH7 gene, results from a G to A substitution at nucleotide position 3484. The glutamic acid at codon 1162 is replaced by lysine, an amino acid with similar properties. This variant was reported in individual(s) with features consistent with hypertrophic cardiomyopathy (Walsh R et al. Genet Med, 2017 Feb;19:192-203). This amino acid position is highly conserved in available vertebrate species. In addition, this alteration is predicted to be deleterious by in silico analysis. Based on the available evidence, the clinical significance of this variant remains unclear.

Color Diagnostics, LLC DBA Color Health
Classification: Uncertain significance for Cardiomyopathy. Last evaluated: 2025-03-26. Review status: criteria provided, single submitter. Criteria: ACMG Guidelines, 2015. Collection method: clinical testing. Allele origin: germline.
Comment: This missense variant replaces glutamic acid with lysine at codon 1162 of the MYH7 protein. Computational prediction suggests that this variant may have a deleterious impact on protein structure and function. To our knowledge, functional studies have not been reported for this variant. This variant has been reported in an individual affected with hypertrophic cardiomyopathy (PMID: 27532257). This variant has not been identified in the general population by the Genome Aggregation Database (gnomAD). The available evidence is insufficient to determine the role of this variant in disease conclusively. Therefore, this variant is classified as a Variant of Uncertain Significance.

All of Us Research Program, National Institutes of Health
Classification: Uncertain significance for Cardiomyopathy. Last evaluated: 2023-11-20. Review status: criteria provided, single submitter. Criteria: ACMG Guidelines, 2015. Collection method: clinical testing. Allele origin: germline. Inheritance: Autosomal dominant inheritance. Observed: 1 variant allele, 1 heterozygote.
Comment: This missense variant replaces glutamic acid with lysine at codon 1162 of the MYH7 protein. Computational prediction suggests that this variant may have deleterious impact on protein structure and function (internally defined REVEL score threshold >= 0.7, PMID: 27666373). To our knowledge, functional studies have not been reported for this variant. This variant has not been reported in individuals affected with MYH7-related disorders in the literature. This variant has not been identified in the general population by the Genome Aggregation Database (gnomAD). The available evidence is insufficient to determine the role of this variant in disease conclusively. Therefore, this variant is classified as a Variant of Uncertain Significance.

This study involves interpretation of variants in research participants for the purpose of population health screening. Participant phenotype was not available at the time of variant classification. Additional details can be found in publication PMID: 35346344, PMCID: PMC8962531

Labcorp Genetics (formerly Invitae), Labcorp
Classification: Uncertain significance for Hypertrophic cardiomyopathy. Last evaluated: 2023-03-07. Review status: criteria provided, single submitter. Criteria: Invitae Variant Classification Sherloc (09022015). Collection method: clinical testing. Allele origin: germline.
Comment: In summary, the available evidence is currently insufficient to determine the role of this variant in disease. Therefore, it has been classified as a Variant of Uncertain Significance. Advanced modeling of protein sequence and biophysical properties (such as structural, functional, and spatial information, amino acid conservation, physicochemical variation, residue mobility, and thermodynamic stability) performed at Invitae indicates that this missense variant is expected to disrupt MYH7 protein function. This missense change has been observed in individual(s) with MYH7-related conditions (PMID: 27532257). This variant is not present in population databases (gnomAD no frequency). This sequence change replaces glutamic acid, which is acidic and polar, with lysine, which is basic and polar, at codon 1162 of the MYH7 protein (p.Glu1162Lys).

Literature cited by the submitters: PubMed 27532257 (cited by 3 submitters).

NM_000257.4(MYH7):c.3484G>A (p.Glu1162Lys)

Gene: MYH7 (myosin heavy chain 7; minus strand). Cytogenetic location: 14q11.2.
Variant type: single nucleotide variant.
Coding change: c.3484G>A on transcript NM_000257.4 (MANE Select); coding-DNA position 3484, G replaced by A.
Protein change: p.Glu1162Lys; replaces glutamic acid 1162 with lysine.
Molecular consequence: missense variant.
Genome position (GRCh38, 1-based): chr14:23,420,087, C>T on the plus strand (G>A on the coding strand, the complement: MYH7 is on the minus strand). VCF-style: chr14-23420087-C-T. GRCh37 (hg19) VCF-style: chr14-23889296-C-T.
Other names: c.3484G>A, p.Glu1162Lys (NM_001407004.1); short protein forms E1162K.
Identifiers: ClinVar variation 2736075 (VCV002736075.6), dbSNP rs1892412049, ClinGen allele CA389043741.
Genomic context (GRCh38, chr14:23,420,087, plus strand): 5'-TGGCCTCCTCCAGGTCCCGCCGCATCTTCTGGAACTCGGCCTCGCGCTTCTTGTTCATCT[C>T]GATCTGCACGGACGTGGCCCCGCCGGCCTCTTCCAGCCGCTCGCTGATCTCCTCCAGCTC-3'
Protein context (NP_000248.2, residues 1152-1172): EAGGATSVQI[Glu1162Lys]MNKKREAEFQ